The following is an entry in ClinVar:

ClinVar aggregate classification (germline): Uncertain significance (0 of 4 stars; one submission).

Conditions:
Isolated dental anomalies.

gnomAD v4.1: 18 of 1,614,108 alleles (0.0011%); highest among the groups gnomAD compares: Admixed American, 0.0017%; no homozygotes.

Submission:

Center of Excellence in Medical Genetics Research, Chiang Mai University
Classification: Uncertain significance for Isolated dental anomalies. Last evaluated: 2026-08-18. Review status: no assertion criteria provided. Collection method: research. Allele origin: germline. Affected: yes. Observed: 1 variant allele.
Comment: NM_013275.6:c.4841G>A is a missense variant in ANKRD11. The in silico mutation prediction results were MutationTaster (Disease Causing; 0.841180247214833), PolyPhen-2 (Probably Damaging; 0.987), SIFT (Benign Supporting; 0.036), CADD (26.0), and DANN (Pathogenic Supporting; 0.9994) (BP4). It occurs at an extremely low frequency in the gnomAD population database (gnomAD Global = 0.00001115, South Asian = 0, East Asian = 0) and is absent from the T-Rex database (Thai exomes: 0/2184) (PM2). In summary, based on the ACMG/AMP criteria applied, this variant is classified as a variant of uncertain significance (VUS) for isolated dental anomalies.

NM_013275.6(ANKRD11):c.4841G>A (p.Arg1614Gln)

Gene: ANKRD11 (ankyrin repeat domain 11; minus strand). Cytogenetic location: 16q24.3.
Variant type: single nucleotide variant.
Coding change: c.4841G>A on transcript NM_013275.6 (MANE Select); coding-DNA position 4841, G replaced by A.
Protein change: p.Arg1614Gln; replaces arginine 1614 with glutamine.
Molecular consequence: missense variant.
Genome position (GRCh38, 1-based): chr16:89,281,701, C>T on the plus strand (G>A on the coding strand, the complement: ANKRD11 is on the minus strand). VCF-style: chr16-89281701-C-T. GRCh37 (hg19) VCF-style: chr16-89348109-C-T.
Other names: c.4841G>A, p.Arg1614Gln (NM_001256182.2, NM_001256183.2); short protein forms R1614Q.
Identifiers: ClinVar variation 4886917 (VCV004886917.1).